The following is an entry in ClinVar:

NM_033026.6(PCLO):c.12572A>G (p.His4191Arg)

Gene: PCLO (piccolo presynaptic cytomatrix protein; minus strand). Cytogenetic location: 7q21.11.
Variant type: single nucleotide variant.
Coding change: c.12572A>G on transcript NM_033026.6 (MANE Select); coding-DNA position 12572, A replaced by G.
Protein change: p.His4191Arg; replaces histidine 4191 with arginine.
Molecular consequence: missense variant.
Genome position (GRCh38, 1-based): chr7:82,915,414, T>C on the plus strand (A>G on the coding strand, the complement: PCLO is on the minus strand). VCF-style: chr7-82915414-T-C. GRCh37 (hg19) VCF-style: chr7-82544730-T-C.
Other names: c.12572A>G, p.His4191Arg (NM_014510.3); short protein forms H4191R.
Identifiers: ClinVar variation 1334045 (VCV001334045.3), dbSNP rs369940919, ClinGen allele CA4319350.

ClinVar aggregate classification (germline): Uncertain significance. Review status: criteria provided, multiple submitters, no conflicts (2 of 4 stars). 2 submissions from 2 submitters: Uncertain significance (2). Last evaluated 2022-06-29.

Conditions:
Pontocerebellar hypoplasia type 3 (PCH3). Also called: CEREBELLAR ATROPHY WITH PROGRESSIVE MICROCEPHALY; PCH WITH OPTIC ATROPHY. Identifiers: Orphanet 97249, MedGen C1842687, MONDO:0011948, OMIM 608027.

Allele frequency attached by ClinVar (database versions not stated): ExAC 0.00002; gnomAD 0.00003 and 0.00004; gnomAD exomes 0.00003 and 0.00007; TOPMed 0.00003; ESP Exome Variant Server 0.00017.
gnomAD v4.1: 101 of 1,613,538 alleles (0.0063%); highest among the groups gnomAD compares: Middle Eastern, 0.016%; no homozygotes.

Submissions (2):

Labcorp Genetics (formerly Invitae), Labcorp
Classification: Uncertain significance. Last evaluated: 2022-06-29. Review status: criteria provided, single submitter. Criteria: Invitae Variant Classification Sherloc (09022015). Collection method: clinical testing. Allele origin: germline.
Comment: This sequence change replaces histidine, which is basic and polar, with arginine, which is basic and polar, at codon 4191 of the PCLO protein (p.His4191Arg). This variant is present in population databases (rs369940919, gnomAD 0.004%). This variant has not been reported in the literature in individuals affected with PCLO-related conditions. ClinVar contains an entry for this variant (Variation ID: 1334045). Algorithms developed to predict the effect of missense changes on protein structure and function are either unavailable or do not agree on the potential impact of this missense change (SIFT: "Deleterious"; PolyPhen-2: "Not Available"; Align-GVGD: "Class C0"). In summary, the available evidence is currently insufficient to determine the role of this variant in disease. Therefore, it has been classified as a Variant of Uncertain Significance.

CENTOGENE GmbH and LLC - Guiding Precision Medicine
Classification: Uncertain significance for Pontocerebellar hypoplasia type 3. Last evaluated: 2018-06-02. Review status: criteria provided, single submitter. Criteria: ACMG Guidelines, 2015. Collection method: clinical testing. Allele origin: germline. Affected: yes.